The following is an entry in ClinVar:

ClinVar aggregate classification (germline): Uncertain significance (1 of 4 stars; one submission).

Conditions:
Ataxia-telangiectasia syndrome (AT). Also called: Ataxia-telangiectasia, complementation group D; ATAXIA-TELANGIECTASIA, COMPLEMENTATION GROUP A; ATAXIA-TELANGIECTASIA, FRESNO VARIANT; Ataxia-telangiectasia; Ataxia-telangiectasia, complementation group E; LOUIS-BAR SYNDROME. Identifiers: Orphanet 100, MedGen C0004135, MONDO:0008840, OMIM 208900.

Submission:

Labcorp Genetics (formerly Invitae), Labcorp
Classification: Uncertain significance for Ataxia-telangiectasia syndrome. Last evaluated: 2020-10-08. Review status: criteria provided, single submitter. Criteria: Invitae Variant Classification Sherloc (09022015). Collection method: clinical testing. Allele origin: germline.
Comment: In summary, the available evidence is currently insufficient to determine the role of this variant in disease. Therefore, it has been classified as a Variant of Uncertain Significance. Advanced modeling of protein sequence and biophysical properties (such as structural, functional, and spatial information, amino acid conservation, physicochemical variation, residue mobility, and thermodynamic stability) performed at Invitae indicates that this missense variant is not expected to disrupt ATM protein function. This variant has not been reported in the literature in individuals with ATM-related conditions. This variant is not present in population databases (ExAC no frequency). This sequence change replaces valine with methionine at codon 595 of the ATM protein (p.Val595Met). The valine residue is weakly conserved and there is a small physicochemical difference between valine and methionine.

NM_000051.4(ATM):c.1783G>A (p.Val595Met)

Gene: ATM (ATM serine/threonine kinase; plus strand). Cytogenetic location: 11q22.3.
Variant type: single nucleotide variant.
Coding change: c.1783G>A on transcript NM_000051.4 (MANE Select); coding-DNA position 1783, G replaced by A.
Protein change: p.Val595Met; replaces valine 595 with methionine.
Molecular consequence: missense variant.
Genome position (GRCh38, 1-based): chr11:108,252,012, G>A. VCF-style: chr11-108252012-G-A. GRCh37 (hg19) VCF-style: chr11-108122739-G-A.
Other names: c.1783G>A, p.Val595Met (NM_001351834.2); short protein forms V595M.
Identifiers: ClinVar variation 1036345 (VCV001036345.8), dbSNP rs2080179332, ClinGen allele CA382535517.
Genomic context (GRCh38, chr11:108,252,012, plus strand): 5'-TCAATAATGAAATGGCTCTTATTCTATCAGTTAGAGGGTGACTTAGAAAATAGCACAGAA[G>A]TGCCTCCAATTCTTCACAGGTAATTTAAGTTCATTAGCATGCTGCTGTTTTTTTTGTTTG-3'
Protein context (NP_000042.3, residues 585-605): LEGDLENSTE[Val595Met]PPILHSNFPH